The following is an entry in ClinVar:

ClinVar aggregate classification (germline): Uncertain significance (1 of 4 stars; one submission).

Submission:

Labcorp Genetics (formerly Invitae), Labcorp
Classification: Uncertain significance. Last evaluated: 2022-10-26. Review status: criteria provided, single submitter. Criteria: Invitae Variant Classification Sherloc (09022015). Collection method: clinical testing. Allele origin: germline.
Comment: In summary, the available evidence is currently insufficient to determine the role of this variant in disease. Therefore, it has been classified as a Variant of Uncertain Significance. Experimental studies and prediction algorithms are not available or were not evaluated, and the functional significance of this variant is currently unknown. This variant has not been reported in the literature in individuals affected with FOXI3-related conditions. The frequency data for this variant in the population databases is considered unreliable, as metrics indicate insufficient coverage at this position in the gnomAD database. This sequence change replaces glycine, which is neutral and non-polar, with leucine, which is neutral and non-polar, at codon 100 of the FOXI3 protein (p.Gly100Leu).

NM_001135649.3(FOXI3):c.297_299delinsTCT (p.Gly100Leu)

Gene: FOXI3 (forkhead box I3; minus strand). Cytogenetic location: 2p11.2.
Variant type: Indel.
Coding change: c.297_299delinsTCT on transcript NM_001135649.3 (MANE Select); coding-DNA positions 297 to 299, CGG replaced by TCT.
Protein change: p.Gly100Leu; replaces glycine 100 with leucine.
Molecular consequence: missense variant.
Genome position (GRCh38, 1-based): chr2:88,452,237-88,452,239, CCG replaced by AGA on the plus strand (CGG replaced by TCT on the coding strand, the reverse complement: FOXI3 is on the minus strand). VCF-style: chr2-88452237-CCG-AGA. GRCh37 (hg19) VCF-style: chr2-88751755-CCG-AGA.
Other names: short protein forms G100L.
Identifiers: ClinVar variation 2868981 (VCV002868981.3), dbSNP rs2528917195, ClinGen allele CA2739271132.